The following is an entry in ClinVar:

NM_012310.5(KIF4A):c.932C>T (p.Ala311Val)

Gene: KIF4A (kinesin family member 4A; plus strand). Cytogenetic location: Xq13.1.
Variant type: single nucleotide variant.
Coding change: c.932C>T on transcript NM_012310.5 (MANE Select); coding-DNA position 932, C replaced by T.
Protein change: p.Ala311Val; replaces alanine 311 with valine.
Molecular consequence: missense variant.
Genome position (GRCh38, 1-based): chrX:70,330,193, C>T. VCF-style: chrX-70330193-C-T. GRCh37 (hg19) VCF-style: chrX-69550043-C-T.
Other names: short protein forms A311V.
Identifiers: ClinVar variation 3359620 (VCV003359620.1).

ClinVar aggregate classification (germline): Uncertain significance (1 of 4 stars; one submission).

Submission:

GeneDx
Classification: Uncertain significance. Last evaluated: 2023-06-06. Review status: criteria provided, single submitter. Criteria: GeneDx Variant Classification Process June 2021. Collection method: clinical testing. Allele origin: germline. Affected: yes.
Comment: Not observed at significant frequency in large population cohorts (gnomAD); In silico analysis supports that this missense variant has a deleterious effect on protein structure/function; Has not been previously published as pathogenic or benign to our knowledge